The following is an entry in ClinVar:

ClinVar aggregate classification (germline): Uncertain significance. Review status: criteria provided, multiple submitters, no conflicts (2 of 4 stars). 2 submissions from 2 submitters: Uncertain significance (2). Last evaluated 2025-01-16.

Conditions:
Hereditary sensory and autonomic neuropathy type 7. Also called: HSAN VII; Neuropathy, hereditary sensory and autonomic, type VII. Identifiers: Orphanet 391397, MedGen C3809882, MONDO:0014244, OMIM 615548.
Familial episodic pain syndrome with predominantly lower limb involvement. Also called: Episodic pain syndrome, familial, 3. Identifiers: Orphanet 391384, Orphanet 391392, MedGen C3809899, MONDO:0014247, OMIM 615552.

Allele frequency attached by ClinVar (database versions not stated): ExAC 0.00001; gnomAD exomes 0.00002; gnomAD 0.00001; TOPMed 0.00001.
gnomAD v4.1: 20 of 1,613,850 alleles (0.0012%); highest among the groups gnomAD compares: South Asian, 0.0055%; no homozygotes.

Submissions (2):

Revvity Omics, Revvity
Classification: Uncertain significance. Last evaluated: 2025-01-16. Review status: criteria provided, single submitter. Criteria: ACMG Guidelines, 2015. Collection method: clinical testing. Allele origin: germline.

Labcorp Genetics (formerly Invitae), Labcorp
Classification: Uncertain significance for Familial episodic pain syndrome with predominantly lower limb involvement; Hereditary sensory and autonomic neuropathy type 7. Last evaluated: 2021-09-19. Review status: criteria provided, single submitter. Criteria: Invitae Variant Classification Sherloc (09022015). Collection method: clinical testing. Allele origin: germline.
Comment: In summary, the available evidence is currently insufficient to determine the role of this variant in disease. Therefore, it has been classified as a Variant of Uncertain Significance. Algorithms developed to predict the effect of missense changes on protein structure and function output the following: SIFT: "Deleterious"; PolyPhen-2: "Benign"; Align-GVGD: "Class C0". The histidine amino acid residue is found in multiple mammalian species, which suggests that this missense change does not adversely affect protein function. ClinVar contains an entry for this variant (Variation ID: 968422). This variant has not been reported in the literature in individuals affected with SCN11A-related conditions. This variant is present in population databases (rs777219461, ExAC 0.006%). This sequence change replaces arginine with histidine at codon 248 of the SCN11A protein (p.Arg248His). The arginine residue is highly conserved and there is a small physicochemical difference between arginine and histidine.

NM_001349253.2(SCN11A):c.743G>A (p.Arg248His)

Gene: SCN11A (sodium voltage-gated channel alpha subunit 11; minus strand). Cytogenetic location: 3p22.2.
Variant type: single nucleotide variant.
Coding change: c.743G>A on transcript NM_001349253.2 (MANE Select); coding-DNA position 743, G replaced by A.
Protein change: p.Arg248His; replaces arginine 248 with histidine.
Molecular consequence: missense variant.
Genome position (GRCh38, 1-based): chr3:38,921,225, C>T on the plus strand (G>A on the coding strand, the complement: SCN11A is on the minus strand). VCF-style: chr3-38921225-C-T. GRCh37 (hg19) VCF-style: chr3-38962716-C-T.
Other names: c.743G>A, p.Arg248His (NM_014139.3); short protein forms R248H.
Identifiers: ClinVar variation 968422 (VCV000968422.9), dbSNP rs777219461, ClinGen allele CA2322518.